The following is an entry in ClinVar:

ClinVar aggregate classification (germline): Uncertain significance (1 of 4 stars; one submission).

Conditions:
Developmental and epileptic encephalopathy, 36 (DEE36). Also called: ALG13-CDG; Epileptic encephalopathy, early infantile, 36; Congenital disorder of glycosylation, type Is. Identifiers: Orphanet 324422, MedGen C4317295, MONDO:0010472, OMIM 300884.

Submission:

Labcorp Genetics (formerly Invitae), Labcorp
Classification: Uncertain significance for Developmental and epileptic encephalopathy, 36. Last evaluated: 2025-12-22. Review status: criteria provided, single submitter. Criteria: Invitae Variant Classification Sherloc (09022015). Collection method: clinical testing. Allele origin: germline.
Comment: This sequence change replaces methionine, which is neutral and non-polar, with isoleucine, which is neutral and non-polar, at codon 670 of the ALG13 protein (p.Met670Ile). This variant is not present in population databases (gnomAD no frequency). This variant has not been reported in the literature in individuals affected with ALG13-related conditions. Invitae Evidence Modeling of protein sequence and biophysical properties (such as structural, functional, and spatial information, amino acid conservation, physicochemical variation, residue mobility, and thermodynamic stability) indicates that this missense variant is not expected to disrupt ALG13 protein function with a negative predictive value of 95%. In summary, the available evidence is currently insufficient to determine the role of this variant in disease. Therefore, it has been classified as a Variant of Uncertain Significance.

NM_001099922.3(ALG13):c.2010G>T (p.Met670Ile)

Gene: ALG13 (ALG13 UDP-N-acetylglucosaminyltransferase subunit; plus strand). Cytogenetic location: Xq23.
Variant type: single nucleotide variant.
Coding change: c.2010G>T on transcript NM_001099922.3 (MANE Select); coding-DNA position 2010, G replaced by T.
Protein change: p.Met670Ile; replaces methionine 670 with isoleucine.
Molecular consequence: missense variant. On other transcripts: non-coding transcript variant (1).
Genome position (GRCh38, 1-based): chrX:111,727,365, G>T. VCF-style: chrX-111727365-G-T. GRCh37 (hg19) VCF-style: chrX-110970593-G-T.
Other names: c.1698G>T, p.Met566Ile (NM_001257230.2, NM_001257234.2, NM_001257237.2); c.1776G>T, p.Met592Ile (NM_001257231.2); c.2010G>T, p.Met670Ile (NM_001324292.2); c.1524G>T, p.Met508Ile (NM_001324293.1); short protein forms M566I, M592I, M508I, M670I.
Identifiers: ClinVar variation 4747434 (VCV004747434.1).
Genomic context (GRCh38, chrX:111,727,365, plus strand): 5'-TCTAGTTTCCTTTCTCTTTATTCTTAGGAATTCATCTCGGTTTATAAACAGGCACAACAT[G>T]CCGGGCCCTAAAGTTGATTTTTACCCAGGCCCAGGTAAAAGGTGCTGCCAGAGCTATGAT-3'
Protein context (NP_001093392.1, residues 660-680): NSSRFINRHN[Met670Ile]PGPKVDFYPG